The following is an entry in ClinVar:

ClinVar aggregate classification (germline): Uncertain significance (1 of 4 stars; one submission).

Conditions:
PHIP-related disorder. Also called: PHIP-related disorders; PHIP-related condition.

gnomAD v4.1: 14 of 1,609,528 alleles (0.00087%); highest among the groups gnomAD compares: Non-Finnish European, 0.00093%; no homozygotes.

Submission:

PreventionGenetics, part of Exact Sciences
Classification: Uncertain significance for PHIP-related condition. Last evaluated: 2025-03-06. Review status: criteria provided, single submitter. Criteria: ACMG Guidelines, 2015. Collection method: clinical testing. Allele origin: germline.
Comment: The PHIP c.3431G>A variant is predicted to result in the amino acid substitution p.Cys1144Tyr. To our knowledge, this variant has not been reported in the literature. This variant is reported in 0.00089% of alleles in individuals of European (non-Finnish) descent in gnomAD. At this time, the clinical significance of this variant is uncertain due to the absence of conclusive functional and genetic evidence.

NM_017934.7(PHIP):c.3431G>A (p.Cys1144Tyr)

Genes: IRAK1BP1 (interleukin 1 receptor associated kinase 1 binding protein 1; plus strand), PHIP (PHIP subunit of CUL4-Ring ligase complex; minus strand). Cytogenetic location: 6q14.1.
Variant type: single nucleotide variant.
Coding change: c.3431G>A on transcript NM_017934.7 (MANE Select); coding-DNA position 3431, G replaced by A.
Protein change: p.Cys1144Tyr; replaces cysteine 1144 with tyrosine.
Molecular consequence: missense variant.
Genome position (GRCh38, 1-based): chr6:78,963,201, C>T on the plus strand (G>A on the coding strand, the complement: PHIP is on the minus strand). VCF-style: chr6-78963201-C-T. GRCh37 (hg19) VCF-style: chr6-79672918-C-T.
Other names: short protein forms C1144Y.
Identifiers: ClinVar variation 5001535 (VCV005001535.1).